The following is an entry in ClinVar:

NM_000169.3(GLA):c.1021del (p.Glu341fs)

Genes: GLA (galactosidase alpha; minus strand), RPL36A-HNRNPH2 (RPL36A-HNRNPH2 readthrough; plus strand). Cytogenetic location: Xq22.1.
Variant type: Deletion.
Coding change: c.1021del on transcript NM_000169.3 (MANE Select); coding-DNA position 1021, one base deleted (G; older notation c.1021delG).
Protein change: p.Glu341fs; shifts the reading frame from glutamic acid 341.
Molecular consequence: frameshift variant. On other transcripts: non-coding transcript variant (3), intron variant (2).
Genome position (GRCh38, 1-based): chrX:101,398,078, C deleted on the plus strand (G on the coding strand, the reverse complement: GLA is on the minus strand); the first of 3 consecutive C bases (chrX:101,398,078-101,398,080); deleting any one gives the same sequence. VCF-style (leftmost placement, unchanged base first): chrX-101398077-TC-T. GRCh37 (hg19) VCF-style: chrX-100653065-TC-T.
Other names: c.1144del, p.Glu382fs (NM_001406747.1); c.300+2623del (NM_001199973.2); c.177+6258del (NM_001199974.2); short protein forms E341fs, E382fs.
Identifiers: ClinVar variation 4087038 (VCV004087038.3).

ClinVar aggregate classification (germline): Pathogenic. Review status: criteria provided, multiple submitters, no conflicts (2 of 4 stars). 2 submissions from 2 submitters: Pathogenic (2). Last evaluated 2026-09-08.

Conditions:
Fabry disease. Also called: ALPHA-GALACTOSIDASE A DEFICIENCY; ANDERSON-FABRY DISEASE; CERAMIDE TRIHEXOSIDASE DEFICIENCY; GLA DEFICIENCY; HEREDITARY DYSTOPIC LIPIDOSIS; Angiokeratoma corporis diffusum. Identifiers: Orphanet 324, MedGen C0002986, MONDO:0010526, OMIM 301500, HP:0001071. Disease mechanism: Fabry disease is due to inactivating mutations in the X-linked GLA gene resulting in deficiency of the enzyme Alpha Galactosidase-A., loss of function.

Submissions (2):

Genomenon, Inc
Classification: Pathogenic for Fabry disease. Last evaluated: 2026-09-08. Review status: criteria provided, single submitter. Criteria: Genomenon Sequence Variant Interpretation Standards - Updated. Collection method: curation. Allele origin: germline. Affected: yes.
Comment: GLA p.Glu341AsnfsTer7 (c.1021del) is a frameshift variant that is predicted to introduce a premature termination codon and result in a truncated or absent protein product. This variant has been observed in at least one proband with clinical features consistent with Fabry disease (PMID:7531540;18205205;17224688;32843101;32442237). At least one functional study has demonstrated a substantial alteration in protein function relative to the wild-type (PMID:18205205). It is absent or not present at a significant frequency in gnomAD. In conclusion, we classify GLA p.Glu341AsnfsTer7 (c.1021del) as a pathogenic variant.

Labcorp Genetics (formerly Invitae), Labcorp
Classification: Pathogenic for Fabry disease. Last evaluated: 2025-10-11. Review status: criteria provided, single submitter. Criteria: Invitae Variant Classification Sherloc (09022015). Collection method: clinical testing. Allele origin: germline.
Comment: This sequence change creates a premature translational stop signal (p.Glu341Asnfs*7) in the GLA gene. While this is not anticipated to result in nonsense mediated decay, it is expected to disrupt the last 89 amino acid(s) of the GLA protein. This variant is not present in population databases (gnomAD no frequency). This premature translational stop signal has been observed in individual(s) with Fabry disease (PMID: 7531540). This variant is also known as 1020del1. Algorithms developed to predict the effect of sequence changes on RNA splicing suggest that this variant may disrupt the consensus splice site. This variant disrupts a region of the GLA protein in which other variant(s) (p.Ser345Argfs*29) have been determined to be pathogenic (PMID: 8931708, 23935525; internal data). This suggests that this is a clinically significant region of the protein, and that variants that disrupt it are likely to be disease-causing. For these reasons, this variant has been classified as Pathogenic.

Literature cited by the submitters: PubMed 7531540 (cited by Genomenon, Inc and Labcorp Genetics (formerly Invitae), Labcorp); PubMed 18205205 (cited by Genomenon, Inc); PubMed 17224688 (cited by Genomenon, Inc); PubMed 32843101 (cited by Genomenon, Inc); PubMed 32442237 (cited by Genomenon, Inc); PubMed 8931708 (cited by Labcorp Genetics (formerly Invitae), Labcorp); PubMed 23935525 (cited by Labcorp Genetics (formerly Invitae), Labcorp).